The following is an entry in ClinVar:

NM_000143.4(FH):c.151C>T (p.Arg51Trp)

Gene: FH (fumarate hydratase; minus strand). Cytogenetic location: 1q43.
Variant type: single nucleotide variant.
Coding change: c.151C>T on transcript NM_000143.4 (MANE Select); coding-DNA position 151, C replaced by T.
Protein change: p.Arg51Trp; replaces arginine 51 with tryptophan.
Molecular consequence: missense variant.
Genome position (GRCh38, 1-based): chr1:241,517,298, G>A on the plus strand (C>T on the coding strand, the complement: FH is on the minus strand). VCF-style: chr1-241517298-G-A. GRCh37 (hg19) VCF-style: chr1-241680598-G-A.
Other names: short protein forms R51W.
Identifiers: ClinVar variation 649446 (VCV000649446.27), dbSNP rs778678782, ClinGen allele CA1478759.
Genomic context (GRCh38, chr1:241,517,298, plus strand): 5'-GGGCGCCATAATACTTATCATTTGGCACCTTTAGTTCACCAAAGGTATCATATTCTATCC[G>A]GAAGGAATTTTGGCTTGCCTAAAGACAAGAATACAACACTATTACAAGTTGAAAAGAAAC-3'
Protein context (NP_000134.2, residues 41-61): AARMASQNSF[Arg51Trp]IEYDTFGELK

ClinVar aggregate classification (germline): Conflicting classifications of pathogenicity. Review status: criteria provided, conflicting classifications (1 of 4 stars). 7 submissions from 7 submitters: Pathogenic (1); Likely pathogenic (4); Uncertain significance (1). 1 of the submissions does not count toward it. Last evaluated 2026-01-14.

Conditions:
Hereditary leiomyomatosis and renal cell cancer. Also called: MULTIPLE CUTANEOUS AND UTERINE LEIOMYOMATA 1, WITH OR WITHOUT RENAL CELL CARCINOMA; Reed syndrome; Multiple cutaneous and uterine leiomyomatosis; Cutaneous leiomyomata with uterine leiomyomata; Leiomyoma, hereditary multiple, of skin; Multiple cutaneous and uterine leiomyomata. Identifiers: Orphanet 523, MedGen C1708350, MONDO:0007888, OMIM 150800, HP:0007437. Disease mechanism: loss of function.
Fumarase deficiency (FMRD). Also called: Fumarate Hydratase Deficiency; Fumaric aciduria. Identifiers: Orphanet 24, MedGen C0342770, MONDO:0011730, OMIM 606812.
Hereditary cancer-predisposing syndrome. Also called: Neoplastic Syndromes, Hereditary; Tumor predisposition; Hereditary Cancer Syndrome; Hereditary neoplastic syndrome. Identifiers: Orphanet 140162, MedGen C0027672, MeSH D009386, MONDO:0015356.

Allele frequency attached by ClinVar (database versions not stated): ExAC 0.00001; gnomAD exomes 0.00001; TOPMed 0.00001.
gnomAD v4.1: 4 of 1,613,958 alleles (0.00025%); highest among the groups gnomAD compares: South Asian, 0.0022%; no homozygotes.

Submissions (8):

Labcorp Genetics (formerly Invitae), Labcorp
Classification: Likely pathogenic. Last evaluated: 2026-01-14. Review status: criteria provided, single submitter. Criteria: Invitae Variant Classification Sherloc (09022015). Collection method: clinical testing. Allele origin: germline.
Comment: This sequence change replaces arginine, which is basic and polar, with tryptophan, which is neutral and slightly polar, at codon 51 of the FH protein (p.Arg51Trp). This variant is present in population databases (rs778678782, gnomAD 0.006%). This missense change has been observed in individual(s) with pheochromocytoma and/or uterine leiomyomas (PMID: 26700204, 30877234, 37529773). ClinVar contains an entry for this variant (Variation ID: 649446). Invitae Evidence Modeling of protein sequence and biophysical properties (such as structural, functional, and spatial information, amino acid conservation, physicochemical variation, residue mobility, and thermodynamic stability) indicates that this missense variant is expected to disrupt FH protein function with a positive predictive value of 95%. This variant disrupts the p.Arg51 amino acid residue in FH. Other variant(s) that disrupt this residue have been determined to be pathogenic (PMID: 25004247; internal data). This suggests that this residue is clinically significant, and that variants that disrupt this residue are likely to be disease-causing. In summary, the currently available evidence indicates that the variant is pathogenic, but additional data are needed to prove that conclusively. Therefore, this variant has been classified as Likely Pathogenic.

Center for Genomic Medicine, Rigshospitalet, Copenhagen University Hospital
Classification: Uncertain significance. Last evaluated: 2025-12-29. Review status: criteria provided, single submitter. Criteria: ACMG Guidelines, 2015. Collection method: clinical testing. Allele origin: germline.
Comment: Classification criteria: PM2_supporting, PM5, PP3_moderate

Ambry Genetics
Classification: Pathogenic for Hereditary cancer-predisposing syndrome. Last evaluated: 2025-12-02. Review status: criteria provided, single submitter. Criteria: Ambry Variant Classification Scheme 2023. Collection method: clinical testing. Allele origin: germline.
Comment: The p.R51W pathogenic mutation (also known as c.151C>T), located in coding exon 2 of the FH gene, results from a C to T substitution at nucleotide position 151. The arginine at codon 51 is replaced by tryptophan, an amino acid with dissimilar properties. This alteration has been observed in multiple individuals with a personal and/or family history of pheochromocytoma and FH-associated disease (Ambry internal data; Personal communication; Ben Aim L et al. J. Med. Genet., 2019 08;56:513-520). Based on internal structural analysis, this variant is destabilizing to the local structure (Ajalla Aleixo, MA et al. FEBS J 2019 05;286(10):1925-1940). This amino acid position is highly conserved in available vertebrate species. In addition, this alteration is predicted to be deleterious by in silico analysis. Based on the supporting evidence, this variant is interpreted as a disease-causing mutation.

Fulgent Genetics
Classification: Likely pathogenic for Hereditary leiomyomatosis and renal cell cancer; Fumarase deficiency. Last evaluated: 2024-03-14. Review status: criteria provided, single submitter. Criteria: ACMG Guidelines, 2015. Collection method: clinical testing. Allele origin: germline.

GeneDx
Classification: Likely pathogenic. Last evaluated: 2023-12-21. Review status: criteria provided, single submitter. Criteria: GeneDx Variant Classification Process June 2021. Collection method: clinical testing. Allele origin: germline. Affected: yes.
Comment: In silico analysis supports that this missense variant has a deleterious effect on protein structure/function; Not observed at significant frequency in large population cohorts (gnomAD); This variant is associated with the following publications: (PMID: 30761759, 25004247, 30877234, 26700204)

Department of Pathology and Laboratory Medicine, Sinai Health System
Classification: Likely pathogenic for Hereditary leiomyomatosis and renal cell cancer; Fumarase deficiency. Last evaluated: 2023-06-22. Review status: criteria provided, single submitter. Criteria: ACMG Guidelines, 2015. Collection method: clinical testing. Allele origin: germline. Affected: yes.

Blake Wilde Laboratory, Roswell Park Comprehensive Cancer Center
No classification provided (evidence only). Condition: Hereditary leiomyomatosis and renal cell cancer. Review status: no classification provided. Collection method: in vitro. Allele origin: not applicable. Functional consequence: decreased enzyme activity. Not counted in ClinVar's aggregate classification.

Sema4
Classification: Uncertain significance for Hereditary cancer-predisposing syndrome. Last evaluated: 2021-12-22. Review status: flagged submission. Criteria: Sema4 Curation Guidelines. Collection method: curation. Allele origin: germline. Not counted in ClinVar's aggregate classification.
Comment: The FH c.151C>T (p.R51W) variant has been reported in an individual with pheochromocytoma, and in an individual with uterine leiomyomas and malignant pheochromocytoma (PMID: 30877234, 26700204). It was observed in 2/30612 chromosomes of the South Asian subpopulation in the Genome Aggregation Database (PMID: 32461654). The variant has been reported in ClinVar (Variation ID 649446). In silico tools suggest the impact of the variant on protein function is deleterious though these predictions have not been confirmed by functional studies. The evidence is insufficient to meet ACMG/AMP criteria for classifying the variant as benign or pathogenic. Thus, the clinical significance of this variant is currently uncertain.
ClinVar note: Reason: Older and outlier claim with insufficient supporting evidence

Literature cited by the submitters: PubMed 26700204 (cited by 5 submitters); PubMed 30877234 (cited by 5 submitters); PubMed 37529773 (cited by Labcorp Genetics (formerly Invitae), Labcorp); PubMed 25004247 (cited by Labcorp Genetics (formerly Invitae), Labcorp and Center for Genomic Medicine, Rigshospitalet, Copenhagen University Hospital); PubMed 30761759 (cited by Ambry Genetics).